The following is an entry in ClinVar:

ClinVar aggregate classification (germline): Pathogenic (1 of 4 stars; one submission).

Conditions:
Intellectual developmental disorder with speech delay, autism, and dysmorphic facies. Identifiers: MedGen C5231456, MONDO:0032864, OMIM 618672.

Submission:

Cytogenetique et Genetique Moleculaire, CHU Besancon
Classification: Pathogenic for Intellectual developmental disorder with speech delay, autism, and dysmorphic facies. Last evaluated: 2023-08-13. Review status: criteria provided, single submitter. Criteria: ACMG Guidelines, 2015. Collection method: clinical testing. Allele origin: germline. Affected: yes.
Comment: The NM_014516.4:c.1127_1145del variant is an frameshift variant in CNOT3 which is predicted to result in a premature stop codon, and likely results in an absent or disrupted protein product (PVS1). Another proband with a clinical diagnosis of CNOT3-related disorder carry the same variant (PMID: 31201375). This variant is not present in gnomAD (PM2; v4.1.0). In summary, this variant meets criteria to be classified as pathogenic for CNOT3-related neurodevelopmental disorders based on the ACMG/AMP criteria applied (PVS1 PM2 PM6).

Literature cited by the submitters: PubMed 31201375.

NM_014516.4(CNOT3):c.1127_1145del (p.Ala376fs)

Gene: CNOT3 (CCR4-NOT transcription complex subunit 3; plus strand). Cytogenetic location: 19q13.42.
Variant type: Deletion.
Coding change: c.1127_1145del on transcript NM_014516.4 (MANE Select); coding-DNA positions 1127 to 1145, 19 bases deleted (CCCCACCAGCTCCCAGTGG).
Protein change: p.Ala376fs; shifts the reading frame from alanine 376.
Molecular consequence: frameshift variant.
Genome position (GRCh38, 1-based): chr19:54,148,380-54,148,398, CCCCACCAGCTCCCAGTGG deleted; deleting any 19 consecutive bases within chr19:54,148,376-54,148,398 gives the same sequence; the c. name uses the placement nearest the transcript's 3' end. VCF-style (leftmost placement, unchanged base first): chr19-54148375-TGTGGCCCCACCAGCTCCCA-T. GRCh37 (hg19) VCF-style: chr19-54652110-TGTGGCCCCACCAGCTCCCA-T.
Other names: short protein forms A376fs.
Identifiers: ClinVar variation 3387806 (VCV003387806.1).